The following is an entry in ClinVar:

ClinVar aggregate classification (germline): Pathogenic (1 of 4 stars; one submission).

Submission:

Labcorp Genetics (formerly Invitae), Labcorp
Classification: Pathogenic. Last evaluated: 2025-04-17. Review status: criteria provided, single submitter. Criteria: Invitae Variant Classification Sherloc (09022015). Collection method: clinical testing. Allele origin: germline.
Comment: This sequence change creates a premature translational stop signal (p.Glu190*) in the OPHN1 gene. It is expected to result in an absent or disrupted protein product. Loss-of-function variants in OPHN1 are known to be pathogenic (PMID: 12807966). This variant is not present in population databases (gnomAD no frequency). This variant has not been reported in the literature in individuals affected with OPHN1-related conditions. For these reasons, this variant has been classified as Pathogenic.

Literature cited by the submitters: PubMed 12807966.

NM_002547.3(OPHN1):c.568G>T (p.Glu190Ter)

Gene: OPHN1 (oligophrenin 1; minus strand). Cytogenetic location: Xq12.
Variant type: single nucleotide variant.
Coding change: c.568G>T on transcript NM_002547.3 (MANE Select); coding-DNA position 568, G replaced by T.
Protein change: p.Glu190Ter; replaces glutamic acid 190 with a stop codon.
Molecular consequence: nonsense.
Genome position (GRCh38, 1-based): chrX:68,213,891, C>A on the plus strand (G>T on the coding strand, the complement: OPHN1 is on the minus strand). VCF-style: chrX-68213891-C-A. GRCh37 (hg19) VCF-style: chrX-67433733-C-A.
Other names: c.568G>T, p.Glu190Ter (NM_001437258.1); short protein forms E190*.
Identifiers: ClinVar variation 4717675 (VCV004717675.1).
Genomic context (GRCh38, chrX:68,213,891, plus strand): 5'-TTTAGACCATTCATCAACAGAGAAAACTTACAGGCTCCACAATATTGAACTTCTTGGACT[C>A]CTGAACTTCCTGGATTTGATAAACATAATCAAGAGAGGACTCGAAAAAATTGTGCCTCTC-3'